The following is an entry in ClinVar:

ClinVar aggregate classification (germline): Uncertain significance (0 of 4 stars; one submission).

Conditions:
NEB-related disorder. Also called: NEB-related condition; NEB-Related Disorders.

Submission:

PreventionGenetics, part of Exact Sciences
Classification: Uncertain significance for NEB-related condition. Last evaluated: 2024-05-06. Review status: no assertion criteria provided. Collection method: clinical testing. Allele origin: germline.
Comment: The NEB c.13057G>A variant is predicted to result in the amino acid substitution p.Asp4353Asn. To our knowledge, this variant has not been reported in the literature or in a large population database, indicating this variant is rare. At this time, the clinical significance of this variant is uncertain due to the absence of conclusive functional and genetic evidence.

NM_001164508.2(NEB):c.13057G>A (p.Asp4353Asn)

Gene: NEB (nebulin; minus strand). Cytogenetic location: 2q23.3.
Variant type: single nucleotide variant.
Coding change: c.13057G>A on transcript NM_001164508.2 (MANE Select); coding-DNA position 13057, G replaced by A.
Protein change: p.Asp4353Asn; replaces aspartic acid 4353 with asparagine.
Molecular consequence: missense variant. On other transcripts: intron variant (1).
Genome position (GRCh38, 1-based): chr2:151,604,562, C>T on the plus strand (G>A on the coding strand, the complement: NEB is on the minus strand). VCF-style: chr2-151604562-C-T. GRCh37 (hg19) VCF-style: chr2-152461076-C-T.
Other names: c.13057G>A, p.Asp4353Asn (NM_001164507.2, NM_001271208.2); c.11601+5247G>A (NM_004543.5); short protein forms D4353N.
Identifiers: ClinVar variation 3357287 (VCV003357287.1).
Genomic context (GRCh38, chr2:151,604,562, plus strand): 5'-CACTGGATTTAAACACACAAATACACATCTCCCCGGGGTCTGGCGATAATATACGCACAT[C>T]GCTCTGCAGGTCGTAGGCTTTCTTGGCCTGGATCACATCGTTCTGATCTGGCAGACACGT-3'
Protein context (NP_001157980.2, residues 4343-4363): QAKKAYDLQS[Asp4353Asn]NLYKSDLEWL